The following is an entry in ClinVar:

ClinVar aggregate classification (germline): Uncertain significance. Review status: criteria provided, multiple submitters, no conflicts (2 of 4 stars). 3 submissions from 3 submitters: Uncertain significance (3). Last evaluated 2025-05-31.

Conditions:
Inborn genetic diseases. Identifiers: MedGen C0950123, MeSH D030342.
Fanconi anemia complementation group A (FANCA). Also called: FANCA-Related Fanconi Anemia; Fanconi anemia, group A. Identifiers: Orphanet 84, MedGen C3469521, MONDO:0009215, OMIM 227650.
Fanconi anemia (FA). Also called: Fanconi's anemia. Identifiers: Orphanet 84, MedGen C0015625, MeSH D005199, MONDO:0019391.

Allele frequency attached by ClinVar (database versions not stated): gnomAD exomes below 0.00001; TOPMed below 0.00001; ExAC 0.00001; gnomAD 0.00001.
gnomAD v4.1: 3 of 1,611,632 alleles (0.00019%); highest among the groups gnomAD compares: Non-Finnish European, 0.00025%; no homozygotes.

Submissions (3):

Ambry Genetics
Classification: Uncertain significance for Inborn genetic diseases. Last evaluated: 2025-05-31. Review status: criteria provided, single submitter. Criteria: Ambry Variant Classification Scheme 2023. Collection method: clinical testing. Allele origin: germline.
Comment: The p.Q728E variant (also known as c.2182C>G), located in coding exon 24 of the FANCA gene, results from a C to G substitution at nucleotide position 2182. The glutamine at codon 728 is replaced by glutamic acid, an amino acid with highly similar properties. This amino acid position is conserved. In addition, the in silico prediction for this alteration is inconclusive. Based on the available evidence, the clinical significance of this variant remains unclear.

Fulgent Genetics
Classification: Uncertain significance for Fanconi anemia complementation group A. Last evaluated: 2024-04-29. Review status: criteria provided, single submitter. Criteria: ACMG Guidelines, 2015. Collection method: clinical testing. Allele origin: germline.

Labcorp Genetics (formerly Invitae), Labcorp
Classification: Uncertain significance for Fanconi anemia. Last evaluated: 2021-08-28. Review status: criteria provided, single submitter. Criteria: Invitae Variant Classification Sherloc (09022015). Collection method: clinical testing. Allele origin: germline.
Comment: This sequence change replaces glutamine with glutamic acid at codon 728 of the FANCA protein (p.Gln728Glu). The glutamine residue is highly conserved and there is a small physicochemical difference between glutamine and glutamic acid. This variant is present in population databases (rs780192381, ExAC 0.01%). This variant has not been reported in the literature in individuals affected with FANCA-related conditions. Advanced modeling of protein sequence and biophysical properties (such as structural, functional, and spatial information, amino acid conservation, physicochemical variation, residue mobility, and thermodynamic stability) performed at Invitae indicates that this missense variant is expected to disrupt FANCA protein function. In summary, the available evidence is currently insufficient to determine the role of this variant in disease. Therefore, it has been classified as a Variant of Uncertain Significance.

NM_000135.4(FANCA):c.2182C>G (p.Gln728Glu)

Gene: FANCA (FA complementation group A; minus strand). Cytogenetic location: 16q24.3.
Variant type: single nucleotide variant.
Coding change: c.2182C>G on transcript NM_000135.4 (MANE Select); coding-DNA position 2182, C replaced by G.
Protein change: p.Gln728Glu; replaces glutamine 728 with glutamic acid.
Molecular consequence: missense variant.
Genome position (GRCh38, 1-based): chr16:89,770,604, G>C on the plus strand (C>G on the coding strand, the complement: FANCA is on the minus strand). VCF-style: chr16-89770604-G-C. GRCh37 (hg19) VCF-style: chr16-89837012-G-C.
Other names: c.2182C>G (NM_000135.2); c.2182C>G, p.Gln728Glu (NM_001286167.3); short protein forms Q728E.
Identifiers: ClinVar variation 1062704 (VCV001062704.8), dbSNP rs780192381, ClinGen allele CA8251857.